The following is an entry in ClinVar:

NM_032444.4(SLX4):c.4737T>A (p.Asp1579Glu)

Gene: SLX4 (SLX4 structure-specific endonuclease subunit; minus strand). Cytogenetic location: 16p13.3.
Variant type: single nucleotide variant.
Coding change: c.4737T>A on transcript NM_032444.4 (MANE Select); coding-DNA position 4737, T replaced by A.
Protein change: p.Asp1579Glu; replaces aspartic acid 1579 with glutamic acid.
Molecular consequence: missense variant.
Genome position (GRCh38, 1-based): chr16:3,584,771, A>T on the plus strand (T>A on the coding strand, the complement: SLX4 is on the minus strand). VCF-style: chr16-3584771-A-T. GRCh37 (hg19) VCF-style: chr16-3634772-A-T.
Other names: short protein forms D1579E.
Identifiers: ClinVar variation 1360013 (VCV001360013.6), dbSNP rs1466193115, ClinGen allele CA394516019.

ClinVar aggregate classification (germline): Uncertain significance (1 of 4 stars; one submission).

Conditions:
Fanconi anemia (FA). Also called: Fanconi's anemia. Identifiers: Orphanet 84, MedGen C0015625, MeSH D005199, MONDO:0019391.

Allele frequency attached by ClinVar (database versions not stated): gnomAD exomes below 0.00001.
gnomAD v4.1: 25 of 1,612,112 alleles (0.0016%); highest among the groups gnomAD compares: Non-Finnish European, 0.002%; no homozygotes.

Submission:

Labcorp Genetics (formerly Invitae), Labcorp
Classification: Uncertain significance for Fanconi anemia. Last evaluated: 2021-09-24. Review status: criteria provided, single submitter. Criteria: Invitae Variant Classification Sherloc (09022015). Collection method: clinical testing. Allele origin: germline.
Comment: In summary, the available evidence is currently insufficient to determine the role of this variant in disease. Therefore, it has been classified as a Variant of Uncertain Significance. Algorithms developed to predict the effect of missense changes on protein structure and function (SIFT, PolyPhen-2, Align-GVGD) all suggest that this variant is likely to be tolerated. This variant has not been reported in the literature in individuals affected with SLX4-related conditions. This variant is not present in population databases (ExAC no frequency). This sequence change replaces aspartic acid with glutamic acid at codon 1579 of the SLX4 protein (p.Asp1579Glu). The aspartic acid residue is moderately conserved and there is a small physicochemical difference between aspartic acid and glutamic acid.